The following is an entry in ClinVar:

NM_020779.4(WDR35):c.1283C>G (p.Thr428Ser)

Gene: WDR35 (WD repeat domain 35; minus strand). Cytogenetic location: 2p24.1.
Variant type: single nucleotide variant.
Coding change: c.1283C>G on transcript NM_020779.4 (MANE Select); coding-DNA position 1283, C replaced by G.
Protein change: p.Thr428Ser; replaces threonine 428 with serine.
Molecular consequence: missense variant.
Genome position (GRCh38, 1-based): chr2:19,953,951, G>C on the plus strand (C>G on the coding strand, the complement: WDR35 is on the minus strand). VCF-style: chr2-19953951-G-C. GRCh37 (hg19) VCF-style: chr2-20153712-G-C.
Other names: c.1316C>G, p.Thr439Ser (NM_001006657.2); short protein forms T428S, T439S.
Identifiers: ClinVar variation 1802013 (VCV001802013.1), dbSNP rs1396608969, ClinGen allele CA345945704.
Genomic context (GRCh38, chr2:19,953,951, plus strand): 5'-TTCTTTGCCACACGATATTGCCAGGTATAAAATGCTTCTTTCGAGGCTGCTATCACATGG[G>C]TTTTGGTCATTGCAACAAACAATGGTACTGTTAAAAATAACATTAAGATAATTTACAGTT-3'
Protein context (NP_065830.2, residues 418-438): IVPLFVAMTK[Thr428Ser]HVIAASKEAF

ClinVar aggregate classification (germline): Uncertain significance (1 of 4 stars; one submission).

Allele frequency attached by ClinVar (database versions not stated): gnomAD 0.00001; TOPMed 0.00001.
gnomAD v4.1: 3 of 1,613,966 alleles (0.00019%); highest among the groups gnomAD compares: Admixed American, 0.0033%; no homozygotes.

Submission:

GeneDx
Classification: Uncertain significance. Last evaluated: 2022-05-26. Review status: criteria provided, single submitter. Criteria: GeneDx Variant Classification Process June 2021. Collection method: clinical testing. Allele origin: germline. Affected: yes.
Comment: Not observed at significant frequency in large population cohorts (gnomAD); In silico analysis supports that this missense variant does not alter protein structure/function; Has not been previously published as pathogenic or benign to our knowledge